The following is an entry in ClinVar:

NM_024757.5(EHMT1):c.673C>T (p.Arg225Ter)

Gene: EHMT1 (euchromatic histone lysine methyltransferase 1; plus strand). Cytogenetic location: 9q34.3.
Variant type: single nucleotide variant.
Coding change: c.673C>T on transcript NM_024757.5 (MANE Select); coding-DNA position 673, C replaced by T.
Protein change: p.Arg225Ter; replaces arginine 225 with a stop codon.
Molecular consequence: nonsense.
Genome position (GRCh38, 1-based): chr9:137,728,379, C>T. VCF-style: chr9-137728379-C-T. GRCh37 (hg19) VCF-style: chr9-140622831-C-T.
Other names: c.673C>T, p.Arg225Ter (NM_001145527.2, NM_001354263.2, NM_001354611.2); c.580C>T, p.Arg194Ter (NM_001354259.2, NM_001354612.2); short protein forms R225*, R194*.
Identifiers: ClinVar variation 252987 (VCV000252987.10), dbSNP rs879255531, ClinGen allele CA10586144.

ClinVar aggregate classification (germline): Pathogenic/Likely pathogenic. Review status: criteria provided, multiple submitters, no conflicts (2 of 4 stars). 5 submissions from 5 submitters: Pathogenic (4); Likely pathogenic (1). Last evaluated 2025-08-11.

Conditions:
Kleefstra syndrome 1 (KLEFS1). Identifiers: Orphanet 261494, MedGen C0795833, MONDO:0027407, OMIM 610253.

Submissions (5):

GeneDx
Classification: Pathogenic. Last evaluated: 2025-08-11. Review status: criteria provided, single submitter. Criteria: GeneDx Variant Classification Process June 2021. Collection method: clinical testing. Allele origin: germline. Affected: yes.
Comment: Nonsense variant predicted to result in protein truncation or nonsense mediated decay in a gene for which loss of function is a known mechanism of disease; Not observed in large population cohorts (gnomAD); This variant is associated with the following publications: (PMID: 33057194, 35904121, 35982159, 28554332)

Clinical Genetics Center, Xinhua Hospital affiliated to Shanghai Jiao Tong University School of Medicine
Classification: Pathogenic for Kleefstra syndrome 1. Last evaluated: 2024-11-01. Review status: criteria provided, single submitter. Criteria: ACMG Guidelines, 2015. Collection method: clinical testing. Allele origin: de novo. Affected: yes.
Comment: PVS1+PM6+PM2_Supporting

Labcorp Genetics (formerly Invitae), Labcorp
Classification: Pathogenic for Kleefstra syndrome 1. Last evaluated: 2024-10-21. Review status: criteria provided, single submitter. Criteria: Invitae Variant Classification Sherloc (09022015). Collection method: clinical testing. Allele origin: germline.
Comment: This sequence change creates a premature translational stop signal (p.Arg225*) in the EHMT1 gene. It is expected to result in an absent or disrupted protein product. Loss-of-function variants in EHMT1 are known to be pathogenic (PMID: 16826528, 19264732). This variant is not present in population databases (gnomAD no frequency). This premature translational stop signal has been observed in individual(s) with clinical features of Kleefstra syndrome (PMID: 28554332, 35904121). In at least one individual the variant was observed to be de novo. ClinVar contains an entry for this variant (Variation ID: 252987). For these reasons, this variant has been classified as Pathogenic.

Equipe Genetique des Anomalies du Developpement, Université de Bourgogne
Classification: Likely pathogenic for Kleefstra syndrome 1. Last evaluated: 2018-10-19. Review status: criteria provided, single submitter. Criteria: ACMG Guidelines, 2015. Collection method: clinical testing. Allele origin: de novo. Affected: yes.

HudsonAlpha Institute for Biotechnology
Classification: Pathogenic for Kleefstra syndrome 1. Last evaluated: 2016-07-14. Review status: criteria provided, single submitter. Criteria: HA_assertions_20161101. Collection method: research. Allele origin: de novo. Affected: yes. Observed: 1 variant allele. Study: CSER-HudsonAlpha.

Literature cited by the submitters: PubMed 16826528 (cited by Labcorp Genetics (formerly Invitae), Labcorp); PubMed 19264732 (cited by Labcorp Genetics (formerly Invitae), Labcorp); PubMed 28554332 (cited by Labcorp Genetics (formerly Invitae), Labcorp); PubMed 35904121 (cited by Labcorp Genetics (formerly Invitae), Labcorp).